The following is an entry in ClinVar:

ClinVar aggregate classification (germline): Uncertain significance (1 of 4 stars; one submission).

Submission:

GeneDx
Classification: Uncertain significance. Last evaluated: 2023-06-13. Review status: criteria provided, single submitter. Criteria: GeneDx Variant Classification Process June 2021. Collection method: clinical testing. Allele origin: germline. Affected: yes.
Comment: Not observed at significant frequency in large population cohorts (gnomAD); In silico analysis supports that this missense variant does not alter protein structure/function; Has not been previously published as pathogenic or benign to our knowledge

NM_181552.4(CUX1):c.1311C>G (p.Asn437Lys)

Gene: CUX1 (cut like homeobox 1; plus strand). Cytogenetic location: 7q22.1.
Variant type: single nucleotide variant.
Coding change: c.1311C>G on transcript NM_181552.4 (MANE Select); coding-DNA position 1311, C replaced by G.
Protein change: p.Asn437Lys; replaces asparagine 437 with lysine.
Molecular consequence: missense variant. On other transcripts: intron variant (5).
Genome position (GRCh38, 1-based): chr7:102,196,722, C>G. VCF-style: chr7-102196722-C-G. GRCh37 (hg19) VCF-style: chr7-101840002-C-G.
Other names: c.1344C>G, p.Asn448Lys (NM_001202543.2); c.1255+1119C>G (NM_001913.5); c.1249+1119C>G (NM_181500.4); c.1117+1119C>G (NM_001202545.3); c.1207+1119C>G (NM_001202544.3); c.1138+1119C>G (NM_001202546.3); short protein forms N437K, N448K.
Identifiers: ClinVar variation 3359859 (VCV003359859.1).